The following is an entry in ClinVar:

NM_001029883.3(PCARE):c.3620C>A (p.Thr1207Asn)

Gene: PCARE (photoreceptor cilium actin regulator; minus strand). Cytogenetic location: 2p23.2.
Variant type: single nucleotide variant.
Coding change: c.3620C>A on transcript NM_001029883.3 (MANE Select); coding-DNA position 3620, C replaced by A.
Protein change: p.Thr1207Asn; replaces threonine 1207 with asparagine.
Molecular consequence: missense variant.
Genome position (GRCh38, 1-based): chr2:29,070,642, G>T on the plus strand (C>A on the coding strand, the complement: PCARE is on the minus strand). VCF-style: chr2-29070642-G-T. GRCh37 (hg19) VCF-style: chr2-29293508-G-T.
Other names: short protein forms T1207N.
Identifiers: ClinVar variation 898961 (VCV000898961.6), dbSNP rs372010073, ClinGen allele CA1591878.

ClinVar aggregate classification (germline): Uncertain significance. Review status: criteria provided, multiple submitters, no conflicts (2 of 4 stars). 2 submissions from 2 submitters: Uncertain significance (2). Last evaluated 2022-08-10.

Conditions:
Retinitis pigmentosa (RP). Identifiers: Orphanet 791, MedGen C0035334, MeSH D012174, MONDO:0019200, OMIM 268000. Inheritance: Autosomal dominant, autosomal recessive and X linked inheritance.

Allele frequency attached by ClinVar (database versions not stated): TOPMed 0.00002; ExAC 0.00003; gnomAD 0.00004; gnomAD exomes 0.00005; ESP Exome Variant Server 0.00008.

Submissions (2):

Labcorp Genetics (formerly Invitae), Labcorp
Classification: Uncertain significance. Last evaluated: 2022-08-10. Review status: criteria provided, single submitter. Criteria: Invitae Variant Classification Sherloc (09022015). Collection method: clinical testing. Allele origin: germline.
Comment: This sequence change replaces threonine, which is neutral and polar, with asparagine, which is neutral and polar, at codon 1207 of the PCARE protein (p.Thr1207Asn). This variant is present in population databases (rs372010073, gnomAD 0.008%). This variant has not been reported in the literature in individuals affected with PCARE-related conditions. ClinVar contains an entry for this variant (Variation ID: 898961). Algorithms developed to predict the effect of missense changes on protein structure and function (SIFT, PolyPhen-2, Align-GVGD) all suggest that this variant is likely to be tolerated. In summary, the available evidence is currently insufficient to determine the role of this variant in disease. Therefore, it has been classified as a Variant of Uncertain Significance.

Illumina Laboratory Services, Illumina
Classification: Uncertain significance for Retinitis pigmentosa. Last evaluated: 2018-01-13. Review status: criteria provided, single submitter. Criteria: ICSL Variant Classification Criteria 13 December 2019. Collection method: clinical testing. Allele origin: germline.